The following is an entry in ClinVar:

NM_001041.4(SI):c.4287T>G (p.Asp1429Glu)

Gene: SI (sucrase-isomaltase; minus strand). Cytogenetic location: 3q26.1.
Variant type: single nucleotide variant.
Coding change: c.4287T>G on transcript NM_001041.4 (MANE Select); coding-DNA position 4287, T replaced by G.
Protein change: p.Asp1429Glu; replaces aspartic acid 1429 with glutamic acid.
Molecular consequence: missense variant.
Genome position (GRCh38, 1-based): chr3:165,006,935, A>C on the plus strand (T>G on the coding strand, the complement: SI is on the minus strand). VCF-style: chr3-165006935-A-C. GRCh37 (hg19) VCF-style: chr3-164724723-A-C.
Other names: c.4287T>G (NM_001041.3); short protein forms D1429E.
Identifiers: ClinVar variation 2114732 (VCV002114732.4), dbSNP rs1718540793, ClinGen allele CA355032554.

ClinVar aggregate classification (germline): Conflicting classifications of pathogenicity. Review status: criteria provided, conflicting classifications (1 of 4 stars). 2 submissions from 2 submitters: Uncertain significance (1); Likely benign (1). Last evaluated 2025-12-02.

Conditions:
Inborn genetic diseases. Identifiers: MedGen C0950123, MeSH D030342.

Allele frequency attached by ClinVar (database versions not stated): TOPMed below 0.00001.

Submissions (2):

Ambry Genetics
Classification: Likely benign for Inborn genetic diseases. Last evaluated: 2025-12-02. Review status: criteria provided, single submitter. Criteria: Ambry Variant Classification Scheme 2023. Collection method: clinical testing. Allele origin: germline.

Labcorp Genetics (formerly Invitae), Labcorp
Classification: Uncertain significance. Last evaluated: 2022-01-02. Review status: criteria provided, single submitter. Criteria: Invitae Variant Classification Sherloc (09022015). Collection method: clinical testing. Allele origin: germline.
Comment: This sequence change replaces aspartic acid, which is acidic and polar, with glutamic acid, which is acidic and polar, at codon 1429 of the SI protein (p.Asp1429Glu). This variant is not present in population databases (gnomAD no frequency). This variant has not been reported in the literature in individuals affected with SI-related conditions. Advanced modeling of protein sequence and biophysical properties (such as structural, functional, and spatial information, amino acid conservation, physicochemical variation, residue mobility, and thermodynamic stability) performed at Invitae indicates that this missense variant is not expected to disrupt SI protein function. In summary, the available evidence is currently insufficient to determine the role of this variant in disease. Therefore, it has been classified as a Variant of Uncertain Significance.